The following is an entry in ClinVar:

NM_001958.5(EEF1A2):c.971A>G (p.Asn324Ser)

Gene: EEF1A2 (eukaryotic translation elongation factor 1 alpha 2; minus strand). Cytogenetic location: 20q13.33.
Variant type: single nucleotide variant.
Coding change: c.971A>G on transcript NM_001958.5 (MANE Select); coding-DNA position 971, A replaced by G.
Protein change: p.Asn324Ser; replaces asparagine 324 with serine.
Molecular consequence: missense variant.
Genome position (GRCh38, 1-based): chr20:63,490,537, T>C on the plus strand (A>G on the coding strand, the complement: EEF1A2 is on the minus strand). VCF-style: chr20-63490537-T-C. GRCh37 (hg19) VCF-style: chr20-62121890-T-C.
Other names: short protein forms N324S.
Identifiers: ClinVar variation 658339 (VCV000658339.9), dbSNP rs1600903430, ClinGen allele CA409647257.

ClinVar aggregate classification (germline): Uncertain significance (1 of 4 stars; one submission).

Conditions:
Developmental and epileptic encephalopathy, 33 (DEE33). Also called: Epileptic encephalopathy, early infantile, 33. Identifiers: Orphanet 442835, MedGen C4225337, MONDO:0014625, OMIM 616409.

Submission:

Labcorp Genetics (formerly Invitae), Labcorp
Classification: Uncertain significance for Developmental and epileptic encephalopathy, 33. Last evaluated: 2026-01-09. Review status: criteria provided, single submitter. Criteria: Invitae Variant Classification Sherloc (09022015). Collection method: clinical testing. Allele origin: germline.
Comment: This sequence change replaces asparagine, which is neutral and polar, with serine, which is neutral and polar, at codon 324 of the EEF1A2 protein (p.Asn324Ser). This variant is not present in population databases (gnomAD no frequency). This variant has not been reported in the literature in individuals affected with EEF1A2-related conditions. ClinVar contains an entry for this variant (Variation ID: 658339). Invitae Evidence Modeling of protein sequence and biophysical properties (such as structural, functional, and spatial information, amino acid conservation, physicochemical variation, residue mobility, and thermodynamic stability) indicates that this missense variant is not expected to disrupt EEF1A2 protein function with a negative predictive value of 80%. In summary, the available evidence is currently insufficient to determine the role of this variant in disease. Therefore, it has been classified as a Variant of Uncertain Significance.